The following is an entry in ClinVar:

NM_003239.5(TGFB3):c.354C>T (p.Asn118=)

Gene: TGFB3 (transforming growth factor beta 3; minus strand). Cytogenetic location: 14q24.3.
Variant type: single nucleotide variant.
Coding change: c.354C>T on transcript NM_003239.5 (MANE Select); coding-DNA position 354, C replaced by T.
Protein change: p.Asn118=; no amino-acid change (asparagine 118 retained).
Molecular consequence: synonymous variant.
Genome position (GRCh38, 1-based): chr14:75,971,717, G>A on the plus strand (C>T on the coding strand, the complement: TGFB3 is on the minus strand). VCF-style: chr14-75971717-G-A. GRCh37 (hg19) VCF-style: chr14-76438060-G-A.
Other names: c.354C>T, p.Asn118= (NM_001329938.2, NM_001329939.2); c.354C>T (NM_003239.4).
Identifiers: ClinVar variation 416060 (VCV000416060.21), dbSNP rs145051522, ClinGen allele CA7280461.
Genomic context (GRCh38, chr14:75,971,717, plus strand): 5'-TGAGGACACATTGAAGCGGAAAACCTTGGAGGTAATTCCTTTAGGGCAGACAGCCAGTTC[G>A]TCTAGGAGATAAAGCAGAGCAGAGGGCACAGCATGAGCGAGACATGCAGGAACAGTGTGC-3'
Protein context (NP_003230.1, residues 108-128): FDMIQGLAEH[Asn118=]ELAVCPKGIT

ClinVar aggregate classification (germline): Likely benign. Review status: criteria provided, multiple submitters, no conflicts (2 of 4 stars). 6 submissions from 6 submitters: Likely benign (6). Last evaluated 2025-12-08.

Conditions:
TGFB3-related disorder. Also called: TGFB3-related condition.
Rienhoff syndrome. Also called: LOEYS-DIETZ SYNDROME 5. Identifiers: MedGen C3810012, MONDO:0014262, OMIM 615582.
Familial thoracic aortic aneurysm and aortic dissection (TAAD). Also called: Thoracic aortic aneurysms and dissections. Identifiers: Orphanet 91387, MedGen C4707243, MONDO:0019625.

Allele frequency attached by ClinVar (database versions not stated): gnomAD exomes 0.00004 and 0.00007; ExAC 0.00008; TOPMed 0.00015; 1000 Genomes Project 0.00020; gnomAD 0.00029; 1000 Genomes Project 30x 0.00031; ESP Exome Variant Server 0.00038.
gnomAD v4.1: 88 of 1,614,160 alleles (0.0055%); highest among the groups gnomAD compares: African/African-American, 0.059%; no homozygotes.

Submissions (6):

Labcorp Genetics (formerly Invitae), Labcorp
Classification: Likely benign for Rienhoff syndrome. Last evaluated: 2025-12-08. Review status: criteria provided, single submitter. Criteria: Invitae Variant Classification Sherloc (09022015). Collection method: clinical testing. Allele origin: germline.

PreventionGenetics, part of Exact Sciences
Classification: Likely benign for TGFB3-related condition. Last evaluated: 2024-11-05. Review status: criteria provided, single submitter. Criteria: ACMG Guidelines, 2015. Collection method: clinical testing. Allele origin: germline.
Comment: This variant is classified as likely benign based on ACMG/AMP sequence variant interpretation guidelines (Richards et al. 2015 PMID: 25741868, with internal and published modifications).

Blueprint Genetics
Classification: Likely benign. Last evaluated: 2024-04-10. Review status: criteria provided, single submitter. Criteria: ACMG Guidelines, 2015. Collection method: clinical testing. Allele origin: germline.

GeneDx
Classification: Likely benign. Last evaluated: 2021-02-24. Review status: criteria provided, single submitter. Criteria: GeneDx Variant Classification Process June 2021. Collection method: clinical testing. Allele origin: germline. Affected: yes.

Ambry Genetics
Classification: Likely benign for Familial thoracic aortic aneurysm and aortic dissection. Last evaluated: 2017-09-15. Review status: criteria provided, single submitter. Criteria: Ambry Variant Classification Scheme 2023. Collection method: clinical testing. Allele origin: germline.

Breakthrough Genomics
Classification: Likely benign. Review status: criteria provided, single submitter. Criteria: ACMG Guidelines, 2015. Collection method: not provided. Allele origin: germline. Inheritance: Autosomal dominant inheritance. Affected: yes.